The following is an entry in ClinVar:

NM_000264.5(PTCH1):c.36C>A (p.Asp12Glu)

Genes: PTCH1 (patched 1; minus strand), LOC130002133 (ATAC-STARR-seq lymphoblastoid silent region 20071; plus strand). Cytogenetic location: 9q22.32.
Variant type: single nucleotide variant.
Coding change: c.36C>A on transcript NM_000264.5 (MANE Select); coding-DNA position 36, C replaced by A.
Protein change: p.Asp12Glu; replaces aspartic acid 12 with glutamic acid.
Molecular consequence: missense variant. On other transcripts: non-coding transcript variant (1), intron variant (3).
Genome position (GRCh38, 1-based): chr9:95,508,326, G>T on the plus strand (C>A on the coding strand, the complement: PTCH1 is on the minus strand). VCF-style: chr9-95508326-G-T. GRCh37 (hg19) VCF-style: chr9-98270608-G-T.
Other names: c.36C>A, p.Asp12Glu (NM_001354918.2); c.199-1727C>A (NM_001083603.3); c.4-1727C>A (NM_001083602.3, NM_001354919.2); short protein forms D12E.
Identifiers: ClinVar variation 646485 (VCV000646485.13), dbSNP rs1057522533, ClinGen allele CA374121589.

ClinVar aggregate classification (germline): Conflicting classifications of pathogenicity. Review status: criteria provided, conflicting classifications (1 of 4 stars). 2 submissions from 2 submitters: Uncertain significance (1); Likely benign (1). Last evaluated 2026-06-29.

Conditions:
Hereditary cancer-predisposing syndrome. Also called: Neoplastic Syndromes, Hereditary; Hereditary Cancer Syndrome; Hereditary neoplastic syndrome; Tumor predisposition. Identifiers: Orphanet 140162, MedGen C0027672, MeSH D009386, MONDO:0015356.
Gorlin syndrome. Also called: Nevoid Basal Cell Carcinoma Syndrome; Basal cell nevus syndrome. Identifiers: Orphanet 377, MedGen C0004779, MONDO:0007187.

Submissions (2):

Ambry Genetics
Classification: Likely benign for Hereditary cancer-predisposing syndrome. Last evaluated: 2026-06-29. Review status: criteria provided, single submitter. Criteria: Ambry Variant Classification Scheme 2023. Collection method: clinical testing. Allele origin: germline.

Labcorp Genetics (formerly Invitae), Labcorp
Classification: Uncertain significance for Gorlin syndrome. Last evaluated: 2025-04-07. Review status: criteria provided, single submitter. Criteria: Invitae Variant Classification Sherloc (09022015). Collection method: clinical testing. Allele origin: germline.
Comment: This sequence change replaces aspartic acid, which is acidic and polar, with glutamic acid, which is acidic and polar, at codon 12 of the PTCH1 protein (p.Asp12Glu). This variant is not present in population databases (gnomAD no frequency). This variant has not been reported in the literature in individuals affected with PTCH1-related conditions. ClinVar contains an entry for this variant (Variation ID: 646485). Invitae Evidence Modeling of protein sequence and biophysical properties (such as structural, functional, and spatial information, amino acid conservation, physicochemical variation, residue mobility, and thermodynamic stability) indicates that this missense variant is not expected to disrupt PTCH1 protein function with a negative predictive value of 95%. In summary, the available evidence is currently insufficient to determine the role of this variant in disease. Therefore, it has been classified as a Variant of Uncertain Significance.